The following is an entry in ClinVar:

ClinVar aggregate classification (germline): Benign/Likely benign. Review status: criteria provided, multiple submitters, no conflicts (2 of 4 stars). 7 submissions from 7 submitters: Benign (1); Likely benign (5). 1 of the submissions does not count toward it. Last evaluated 2025-12-22.

Conditions:
POLE-related disorder. Also called: POLE-related disorders; POLE-related condition.
Hereditary cancer-predisposing syndrome. Also called: Neoplastic Syndromes, Hereditary; Hereditary Cancer Syndrome; Tumor predisposition; Hereditary neoplastic syndrome. Identifiers: Orphanet 140162, MedGen C0027672, MeSH D009386, MONDO:0015356.
Colorectal cancer, susceptibility to, 12 (CRCS12). Also called: COLORECTAL CANCER, SUSCEPTIBILITY TO, ON CHROMOSOME 12q24. Identifiers: Orphanet 220460, MedGen C3554460, MONDO:0014038, OMIM 615083.

Allele frequency attached by ClinVar (database versions not stated): gnomAD exomes below 0.00001 and 0.00001; ExAC 0.00001; TOPMed 0.00001.
gnomAD v4.1: 17 of 1,614,180 alleles (0.0011%); highest among the groups gnomAD compares: Middle Eastern, 0.066%; 1 homozygote.

Submissions (7):

Labcorp Genetics (formerly Invitae), Labcorp
Classification: Likely benign. Last evaluated: 2025-12-22. Review status: criteria provided, single submitter. Criteria: Invitae Variant Classification Sherloc (09022015). Collection method: clinical testing. Allele origin: germline.

KCCC/NGS Laboratory, Kuwait Cancer Control Center
Classification: Benign for Colorectal cancer, susceptibility to, 12. Last evaluated: 2025-02-01. Review status: criteria provided, single submitter. Criteria: ACMG Guidelines, 2015. Collection method: clinical testing. Allele origin: germline. Affected: no.

Blueprint Genetics
Classification: Likely benign. Last evaluated: 2024-02-07. Review status: criteria provided, single submitter. Criteria: ACMG Guidelines, 2015. Collection method: clinical testing. Allele origin: germline.

GeneDx
Classification: Likely benign. Last evaluated: 2021-06-14. Review status: criteria provided, single submitter. Criteria: GeneDx Variant Classification Process June 2021. Collection method: clinical testing. Allele origin: germline. Affected: yes.

Quest Diagnostics Nichols Institute San Juan Capistrano
Classification: Likely benign. Last evaluated: 2018-07-16. Review status: criteria provided, single submitter. Criteria: Quest Diagnostics criteria. Collection method: clinical testing. Allele origin: germline.

Ambry Genetics
Classification: Likely benign for Hereditary cancer-predisposing syndrome. Last evaluated: 2016-01-25. Review status: criteria provided, single submitter. Criteria: Ambry Variant Classification Scheme 2023. Collection method: clinical testing. Allele origin: germline.

PreventionGenetics, part of Exact Sciences
Classification: Likely benign for POLE-related condition. Last evaluated: 2024-02-26. Review status: no assertion criteria provided. Collection method: clinical testing. Allele origin: germline. Not counted in ClinVar's aggregate classification.
Comment: This variant is classified as likely benign based on ACMG/AMP sequence variant interpretation guidelines (Richards et al. 2015 PMID: 25741868, with internal and published modifications).

NM_006231.4(POLE):c.3135T>C (p.Asp1045=)

Gene: POLE (DNA polymerase epsilon, catalytic subunit; minus strand). Cytogenetic location: 12q24.33.
Variant type: single nucleotide variant.
Coding change: c.3135T>C on transcript NM_006231.4 (MANE Select); coding-DNA position 3135, T replaced by C.
Protein change: p.Asp1045=; no amino-acid change (aspartic acid 1045 retained).
Molecular consequence: synonymous variant.
Genome position (GRCh38, 1-based): chr12:132,659,435, A>G on the plus strand (T>C on the coding strand, the complement: POLE is on the minus strand). VCF-style: chr12-132659435-A-G. GRCh37 (hg19) VCF-style: chr12-133236021-A-G.
Identifiers: ClinVar variation 240459 (VCV000240459.24), dbSNP rs748871390, ClinGen allele CA6893350.